The following is an entry in ClinVar:

ClinVar aggregate classification (germline): Uncertain significance (1 of 4 stars; one submission).

Submission:

Ambry Genetics
Classification: Uncertain significance. Last evaluated: 2024-08-25. Review status: criteria provided, single submitter. Criteria: Ambry Variant Classification Scheme 2023. Collection method: clinical testing. Allele origin: germline.
Comment: The p.A122V variant (also known as c.365C>T), located in coding exon 1 of the EGLN2 gene, results from a C to T substitution at nucleotide position 365. The alanine at codon 122 is replaced by valine, an amino acid with similar properties. This amino acid position is conserved. In addition, this alteration is predicted to be tolerated by in silico analysis. Since supporting evidence is limited at this time, the clinical significance of this alteration remains unclear.

NM_080732.4(EGLN2):c.365C>T (p.Ala122Val)

Genes: RAB4B-EGLN2 (RAB4B-EGLN2 readthrough (NMD candidate); plus strand), EGLN2 (egl-9 family hypoxia inducible factor 2; plus strand). Cytogenetic location: 19q13.2.
Variant type: single nucleotide variant.
Coding change: c.365C>T on transcript NM_080732.4 (MANE Select); coding-DNA position 365, C replaced by T.
Protein change: p.Ala122Val; replaces alanine 122 with valine.
Molecular consequence: missense variant. On other transcripts: non-coding transcript variant (1).
Genome position (GRCh38, 1-based): chr19:40,800,937, C>T. VCF-style: chr19-40800937-C-T. GRCh37 (hg19) VCF-style: chr19-41306842-C-T.
Other names: c.365C>T, p.Ala122Val (NM_053046.4); short protein forms A122V.
Identifiers: ClinVar variation 1733663 (VCV001733663.3), dbSNP rs2515993782, ClinGen allele CA405955098.